The following is an entry in ClinVar:

NM_001378418.1(TCF20):c.2215C>T (p.His739Tyr)

Gene: TCF20 (transcription factor 20; minus strand). Cytogenetic location: 22q13.2.
Variant type: single nucleotide variant.
Coding change: c.2215C>T on transcript NM_001378418.1 (MANE Select); coding-DNA position 2215, C replaced by T.
Protein change: p.His739Tyr; replaces histidine 739 with tyrosine.
Molecular consequence: missense variant.
Genome position (GRCh38, 1-based): chr22:42,213,091, G>A on the plus strand (C>T on the coding strand, the complement: TCF20 is on the minus strand). VCF-style: chr22-42213091-G-A. GRCh37 (hg19) VCF-style: chr22-42609097-G-A.
Other names: c.2215C>T, p.His739Tyr (NM_005650.4, NM_181492.3); short protein forms H739Y.
Identifiers: ClinVar variation 3686238 (VCV003686238.2).

ClinVar aggregate classification (germline): Uncertain significance (1 of 4 stars; one submission).

gnomAD v4.1: 1 of 1,614,136 alleles (0.000062%); highest among the groups gnomAD compares: Non-Finnish European, 0.000085%; no homozygotes.

Submission:

Labcorp Genetics (formerly Invitae), Labcorp
Classification: Uncertain significance. Last evaluated: 2024-11-05. Review status: criteria provided, single submitter. Criteria: Invitae Variant Classification Sherloc (09022015). Collection method: clinical testing. Allele origin: germline.
Comment: This sequence change replaces histidine, which is basic and polar, with tyrosine, which is neutral and polar, at codon 739 of the TCF20 protein (p.His739Tyr). This variant is not present in population databases (gnomAD no frequency). This variant has not been reported in the literature in individuals affected with TCF20-related conditions. An algorithm developed to predict the effect of missense changes on protein structure and function (PolyPhen-2) suggests that this variant is likely to be disruptive. In summary, the available evidence is currently insufficient to determine the role of this variant in disease. Therefore, it has been classified as a Variant of Uncertain Significance.